The following is an entry in ClinVar:

NM_015341.5(NCAPH):c.1465-8dup

Gene: NCAPH (non-SMC condensin I complex subunit H; plus strand). Cytogenetic location: 2q11.2.
Variant type: Duplication.
Coding change: c.1465-8dup on transcript NM_015341.5 (MANE Select); 8 bases into the intron before coding-DNA position 1465, one base duplicated (A; older notation c.1465-8dupA).
Molecular consequence: intron variant.
Genome position (GRCh38, 1-based): chr2:96,360,580, A duplicated; the last of 7 consecutive A bases (chr2:96,360,574-96,360,580); duplicating any one gives the same sequence. VCF-style (leftmost placement, unchanged base first): chr2-96360573-T-TA. GRCh37 (hg19) VCF-style: chr2-97026311-T-TA.
Other names: c.1432-8dup (NM_001281710.2); c.1393-8dup (NM_001281711.2); c.1057-8dup (NM_001281712.2).
Identifiers: ClinVar variation 3035352 (VCV003035352.2), dbSNP rs749211631, ClinGen allele CA1780137.
Genomic context (GRCh38, chr2:96,360,573, plus strand): 5'-GACTGCTTTAAAAAAAGTAAGATGTTTTGCCCACTGTTAAAATGCCTAAAACACTTTTTT[T>TA]AAAAAAATTAATAGGCTGCTACTATTCTGACCAAGTCCACTTTGGAGAACCAGAATTGGA-3'

ClinVar aggregate classification (germline): Likely benign (0 of 4 stars; one submission).

Conditions:
NCAPH-related disorder. Also called: NCAPH-related condition.

Submission:

PreventionGenetics, part of Exact Sciences
Classification: Likely benign for NCAPH-related condition. Last evaluated: 2019-08-12. Review status: no assertion criteria provided. Collection method: clinical testing. Allele origin: germline.
Comment: This variant is classified as likely benign based on ACMG/AMP sequence variant interpretation guidelines (Richards et al. 2015 PMID: 25741868, with internal and published modifications).